The following is an entry in ClinVar:

ClinVar aggregate classification (germline): Likely pathogenic (1 of 4 stars; one submission).

Conditions:
Autosomal recessive limb-girdle muscular dystrophy type 2J (LGMDR10). Also called: Limb-girdle muscular dystrophy, type 2J; MUSCULAR DYSTROPHY, LIMB-GIRDLE, AUTOSOMAL RECESSIVE 10. Identifiers: Orphanet 140922, MedGen C1837342, MONDO:0012127, OMIM 608807.
Dilated cardiomyopathy 1G (CMD1G). Identifiers: Orphanet 154, MedGen C1858763, MONDO:0011400, OMIM 604145.

Submission:

Labcorp Genetics (formerly Invitae), Labcorp
Classification: Likely pathogenic for Dilated cardiomyopathy 1G; Autosomal recessive limb-girdle muscular dystrophy type 2J. Last evaluated: 2025-09-27. Review status: criteria provided, single submitter. Criteria: Invitae Variant Classification Sherloc (09022015). Collection method: clinical testing. Allele origin: germline.
Comment: This sequence change creates a premature translational stop signal (p.Lys15207Thrfs*8) in the TTN gene. While this is not anticipated to result in nonsense mediated decay, it is expected to create a truncated TTN protein. This variant is not present in population databases (gnomAD no frequency). This variant has not been reported in the literature in individuals affected with TTN-related conditions. This variant is located in the I band of TTN (PMID: 25589632). Truncating variants in this region have been reported in individuals affected with autosomal recessive centronuclear myopathy (PMID: 23975875, internal data). Truncating variants in this region have also been identified in individuals affected with autosomal dominant dilated cardiomyopathy and/or cardio-related conditions (PMID: 27869827, 32964742, internal data). In summary, the currently available evidence indicates that the variant is pathogenic, but additional data are needed to prove that conclusively. Therefore, this variant has been classified as Likely Pathogenic.

Literature cited by the submitters: PubMed 25589632; PubMed 23975875; PubMed 27869827; PubMed 32964742.

NM_001267550.2(TTN):c.45620_45621del (p.Lys15207fs)

Gene: TTN (titin; minus strand). Cytogenetic location: 2q31.2.
Variant type: Deletion.
Coding change: c.45620_45621del on transcript NM_001267550.2 (MANE Select); coding-DNA positions 45620 to 45621, 2 bases deleted (AA; older notation c.45620_45621delAA).
Protein change: p.Lys15207fs; shifts the reading frame from lysine 15207.
Molecular consequence: frameshift variant.
Genome position (GRCh38, 1-based): chr2:178,620,989-178,620,990, TT deleted on the plus strand (AA on the coding strand, the reverse complement: TTN is on the minus strand); deleting any 2 consecutive bases within chr2:178,620,989-178,620,993 gives the same sequence; the c. name uses the placement nearest the transcript's 3' end. VCF-style (leftmost placement, unchanged base first): chr2-178620988-GTT-G. GRCh37 (hg19) VCF-style: chr2-179485715-GTT-G.
Other names: c.40697_40698del, p.Lys13566fs (NM_001256850.1); c.18425_18426del, p.Lys6142fs (NM_003319.4); c.37916_37917del, p.Lys12639fs (NM_133378.4); c.18800_18801del, p.Lys6267fs (NM_133432.3); c.19001_19002del, p.Lys6334fs (NM_133437.4); short protein forms K13566fs, K12639fs, K15207fs, K6334fs, K6142fs, K6267fs.
Identifiers: ClinVar variation 4786242 (VCV004786242.1).
Genomic context (GRCh38, chr2:178,620,988, plus strand): 5'-TGAAGACAACTTCCTGTTGTTCCTTCACCCGGGTGTCCTTAAGAGGAACTACGATCCTGA[GTT>G]TTTCTGAAAGCAACCGACAAGACTTTATAGTATGAATAATGATCAAAGTGGTAAATACAA-3'